The following is an entry in ClinVar:

NM_021076.4(NEFH):c.2712C>T (p.Pro904=)

Gene: NEFH (neurofilament heavy chain; plus strand). Cytogenetic location: 22q12.2.
Variant type: single nucleotide variant.
Coding change: c.2712C>T on transcript NM_021076.4 (MANE Select); coding-DNA position 2712, C replaced by T.
Protein change: p.Pro904=; no amino-acid change (proline 904 retained).
Molecular consequence: synonymous variant.
Genome position (GRCh38, 1-based): chr22:29,490,352, C>T. VCF-style: chr22-29490352-C-T. GRCh37 (hg19) VCF-style: chr22-29886341-C-T.
Other names: p.Pro904=.
Identifiers: ClinVar variation 777681 (VCV000777681.14), dbSNP rs61744118, ClinGen allele CA10174478.

ClinVar aggregate classification (germline): Benign/Likely benign. Review status: criteria provided, multiple submitters, no conflicts (2 of 4 stars). 4 submissions from 4 submitters: Benign (3); Likely benign (1). Last evaluated 2026-01-19.

Allele frequency attached by ClinVar (database versions not stated): gnomAD exomes 0.00088 and 0.00227; ExAC 0.00276; gnomAD 0.00947 and 0.01025; 1000 Genomes Project 0.00978; ESP Exome Variant Server 0.00992; 1000 Genomes Project 30x 0.01015; TOPMed 0.01089.

Submissions (4):

Labcorp Genetics (formerly Invitae), Labcorp
Classification: Benign. Last evaluated: 2026-01-19. Review status: criteria provided, single submitter. Criteria: Invitae Variant Classification Sherloc (09022015). Collection method: clinical testing. Allele origin: germline.

GeneDx
Classification: Likely benign. Last evaluated: 2024-05-28. Review status: criteria provided, single submitter. Criteria: GeneDx Variant Classification Process June 2021. Collection method: clinical testing. Allele origin: germline. Affected: yes.
Comment: See Variant Classification Assertion Criteria.

Mayo Clinic Laboratories, Mayo Clinic
Classification: Benign. Last evaluated: 2023-11-01. Review status: criteria provided, single submitter. Criteria: ACMG Guidelines, 2015. Collection method: clinical testing. Allele origin: germline. Observed: 11 variant alleles.
Comment: BS1, BS2, BP4, BP7

Breakthrough Genomics
Classification: Benign. Review status: criteria provided, single submitter. Criteria: ACMG Guidelines, 2015. Collection method: not provided. Allele origin: germline. Inheritance: Autosomal recessive inheritance. Affected: yes.